The following is an entry in ClinVar:

NM_005188.4(CBL):c.1023T>A (p.Asp341Glu)

Gene: CBL (Cbl proto-oncogene; plus strand). Cytogenetic location: 11q23.3.
Variant type: single nucleotide variant.
Coding change: c.1023T>A on transcript NM_005188.4 (MANE Select); coding-DNA position 1023, T replaced by A.
Protein change: p.Asp341Glu; replaces aspartic acid 341 with glutamic acid.
Molecular consequence: missense variant.
Genome position (GRCh38, 1-based): chr11:119,277,772, T>A. VCF-style: chr11-119277772-T-A. GRCh37 (hg19) VCF-style: chr11-119148482-T-A.
Other names: short protein forms D341E.
Identifiers: ClinVar variation 4800608 (VCV004800608.1).

ClinVar aggregate classification (germline): Uncertain significance (1 of 4 stars; one submission).

Conditions:
RASopathy. Also called: rasopathies; Noonan spectrum disorder. Identifiers: Orphanet 536391, MedGen C5555857, MONDO:0021060.

Submission:

Labcorp Genetics (formerly Invitae), Labcorp
Classification: Uncertain significance for RASopathy. Last evaluated: 2025-02-17. Review status: criteria provided, single submitter. Criteria: Invitae Variant Classification Sherloc (09022015). Collection method: clinical testing. Allele origin: germline.
Comment: This sequence change replaces aspartic acid, which is acidic and polar, with glutamic acid, which is acidic and polar, at codon 341 of the CBL protein (p.Asp341Glu). This variant is not present in population databases (gnomAD no frequency). This variant has not been reported in the literature in individuals affected with CBL-related conditions. Invitae Evidence Modeling of protein sequence and biophysical properties (such as structural, functional, and spatial information, amino acid conservation, physicochemical variation, residue mobility, and thermodynamic stability) indicates that this missense variant is expected to disrupt CBL protein function with a positive predictive value of 95%. Algorithms developed to predict the effect of sequence changes on RNA splicing suggest that this variant may create or strengthen a splice site. In summary, the available evidence is currently insufficient to determine the role of this variant in disease. Therefore, it has been classified as a Variant of Uncertain Significance.